The following is an entry in ClinVar:

NM_001386991.1(BANP):c.618C>T (p.Ile206=)

Gene: BANP (BTG3 associated nuclear protein; plus strand). Cytogenetic location: 16q24.2.
Variant type: single nucleotide variant.
Coding change: c.618C>T on transcript NM_001386991.1 (MANE Select); coding-DNA position 618, C replaced by T.
Protein change: p.Ile206=; no amino-acid change (isoleucine 206 retained).
Molecular consequence: synonymous variant.
Genome position (GRCh38, 1-based): chr16:88,006,228, C>T. VCF-style: chr16-88006228-C-T. GRCh37 (hg19) VCF-style: chr16-88039834-C-T.
Other names: c.618C>T, p.Ile206= (NM_001173539.2, NM_001173542.1, NM_001384918.1 and 7 more transcripts); c.519C>T, p.Ile173= (NM_001173540.2, NM_001384936.1, NM_001384937.1 and 1 more transcripts); c.501C>T, p.Ile167= (NM_001173541.2, NM_001384916.1, NM_001384921.1 and 4 more transcripts); c.594C>T, p.Ile198= (NM_001173543.1); c.636C>T, p.Ile212= (NM_001384928.1, NM_001384929.1, NM_001384931.1 and 1 more transcripts); c.309C>T, p.Ile103= (NM_001384939.1, NM_001384940.1, NM_001384941.1 and 1 more transcripts); c.192C>T, p.Ile64= (NM_001384943.1, NM_001384944.1).
Identifiers: ClinVar variation 2646966 (VCV002646966.24), dbSNP rs778562002, ClinGen allele CA8223918.

ClinVar aggregate classification (germline): Likely benign (1 of 4 stars; one submission).

Allele frequency attached by ClinVar (database versions not stated): TOPMed 0.00001; ExAC 0.00002; gnomAD exomes 0.00002.

Submission:

CeGaT Center for Human Genetics Tuebingen
Classification: Likely benign. Last evaluated: 2022-04-01. Review status: criteria provided, single submitter. Criteria: CeGaT Center For Human Genetics Tuebingen Variant Classification Criteria Version 2. Collection method: clinical testing. Allele origin: germline. Affected: yes. Observed: 1 variant allele.
Comment: BANP: BP4, BP7